The following is an entry in ClinVar:

ClinVar aggregate classification (germline): Uncertain significance (1 of 4 stars; one submission).

Conditions:
Immunodeficiency 35 (IMD35). Also called: Susceptibility to infection due to TYK2 deficiency; TYK2 DEFICIENCY; HIES WITH ATYPICAL MYCOBACTERIOSIS, AUTOSOMAL RECESSIVE; HYPER-IgE SYNDROME WITH ATYPICAL MYCOBACTERIOSIS, AUTOSOMAL RECESSIVE. Identifiers: Orphanet 331226, MedGen C1969086, MONDO:0012682, OMIM 611521.

Allele frequency attached by ClinVar (database versions not stated): TOPMed 0.00001.

Submission:

Labcorp Genetics (formerly Invitae), Labcorp
Classification: Uncertain significance for Immunodeficiency 35. Last evaluated: 2018-06-30. Review status: criteria provided, single submitter. Criteria: Invitae Variant Classification Sherloc (09022015). Collection method: clinical testing. Allele origin: germline.
Comment: This sequence change replaces proline with leucine at codon 312 of the TYK2 protein (p.Pro312Leu). The proline residue is highly conserved and there is a moderate physicochemical difference between proline and leucine. This variant is not present in population databases (ExAC no frequency). This variant has not been reported in the literature in individuals with TYK2-related disease. Algorithms developed to predict the effect of missense changes on protein structure and function are either unavailable or do not agree on the potential impact of this missense change (SIFT: "Deleterious"; PolyPhen-2: "Benign"; Align-GVGD: "Class C15"). In summary, the available evidence is currently insufficient to determine the role of this variant in disease. Therefore, it has been classified as a Variant of Uncertain Significance.

NM_003331.5(TYK2):c.935C>T (p.Pro312Leu)

Gene: TYK2 (tyrosine kinase 2; minus strand). Cytogenetic location: 19p13.2.
Variant type: single nucleotide variant.
Coding change: c.935C>T on transcript NM_003331.5 (MANE Select); coding-DNA position 935, C replaced by T.
Protein change: p.Pro312Leu; replaces proline 312 with leucine.
Molecular consequence: missense variant.
Genome position (GRCh38, 1-based): chr19:10,365,593, G>A on the plus strand (C>T on the coding strand, the complement: TYK2 is on the minus strand). VCF-style: chr19-10365593-G-A. GRCh37 (hg19) VCF-style: chr19-10476269-G-A.
Other names: c.935C>T, p.Pro312Leu (NM_001385197.1, NM_001385198.1, NM_001385199.1 and 7 more transcripts); c.845C>T, p.Pro282Leu (NM_001385205.1); short protein forms P312L, P282L.
Identifiers: ClinVar variation 1045469 (VCV001045469.7), dbSNP rs1354965673, ClinGen allele CA404016146.